The following is an entry in ClinVar:

NM_000054.7(AVPR2):c.638T>G (p.Val213Gly)

Gene: AVPR2 (arginine vasopressin receptor 2; plus strand). Cytogenetic location: Xq28.
Variant type: single nucleotide variant.
Coding change: c.638T>G on transcript NM_000054.7 (MANE Select); coding-DNA position 638, T replaced by G.
Protein change: p.Val213Gly; replaces valine 213 with glycine.
Molecular consequence: missense variant. On other transcripts: non-coding transcript variant (1).
Genome position (GRCh38, 1-based): chrX:153,906,144, T>G. VCF-style: chrX-153906144-T-G. GRCh37 (hg19) VCF-style: chrX-153171598-T-G.
Other names: c.638T>G, p.Val213Gly (NM_001146151.3); short protein forms V213G.
Identifiers: ClinVar variation 3638437 (VCV003638437.2).

ClinVar aggregate classification (germline): Uncertain significance (1 of 4 stars; one submission).

Submission:

Labcorp Genetics (formerly Invitae), Labcorp
Classification: Uncertain significance. Last evaluated: 2024-02-02. Review status: criteria provided, single submitter. Criteria: Invitae Variant Classification Sherloc (09022015). Collection method: clinical testing. Allele origin: germline.
Comment: This sequence change replaces valine, which is neutral and non-polar, with glycine, which is neutral and non-polar, at codon 213 of the AVPR2 protein (p.Val213Gly). This variant is not present in population databases (gnomAD no frequency). This variant has not been reported in the literature in individuals affected with AVPR2-related conditions. Advanced modeling of protein sequence and biophysical properties (such as structural, functional, and spatial information, amino acid conservation, physicochemical variation, residue mobility, and thermodynamic stability) performed at Invitae indicates that this missense variant is expected to disrupt AVPR2 protein function with a positive predictive value of 80%. In summary, the available evidence is currently insufficient to determine the role of this variant in disease. Therefore, it has been classified as a Variant of Uncertain Significance.